The following is an entry in ClinVar:

NM_002283.4(KRT85):c.15C>G (p.Ser5=)

Gene: KRT85 (keratin 85; minus strand). Cytogenetic location: 12q13.13.
Variant type: single nucleotide variant.
Coding change: c.15C>G on transcript NM_002283.4 (MANE Select); coding-DNA position 15, C replaced by G.
Protein change: p.Ser5=; no amino-acid change (serine 5 retained).
Molecular consequence: synonymous variant.
Genome position (GRCh38, 1-based): chr12:52,367,391, G>C on the plus strand (C>G on the coding strand, the complement: KRT85 is on the minus strand). VCF-style: chr12-52367391-G-C. GRCh37 (hg19) VCF-style: chr12-52761175-G-C.
Identifiers: ClinVar variation 3058710 (VCV003058710.2), dbSNP rs2540579644, ClinGen allele CA480065729.

ClinVar aggregate classification (germline): Likely benign (0 of 4 stars; one submission).

Conditions:
KRT85-related disorder. Also called: KRT85-related condition.

Submission:

PreventionGenetics, part of Exact Sciences
Classification: Likely benign for KRT85-related condition. Last evaluated: 2019-03-25. Review status: no assertion criteria provided. Collection method: clinical testing. Allele origin: germline.
Comment: This variant is classified as likely benign based on ACMG/AMP sequence variant interpretation guidelines (Richards et al. 2015 PMID: 25741868, with internal and published modifications).